The following is an entry in ClinVar:

ClinVar aggregate classification (germline): Uncertain significance (1 of 4 stars; one submission).

Allele frequency attached by ClinVar (database versions not stated): gnomAD exomes 0.00001 and 0.00007; ExAC 0.00002; TOPMed 0.00002; gnomAD 0.00003.
gnomAD v4.1: 109 of 1,613,976 alleles (0.0068%); highest among the groups gnomAD compares: Non-Finnish European, 0.0091%; no homozygotes.

Submission:

Labcorp Genetics (formerly Invitae), Labcorp
Classification: Uncertain significance. Last evaluated: 2025-04-14. Review status: criteria provided, single submitter. Criteria: Invitae Variant Classification Sherloc (09022015). Collection method: clinical testing. Allele origin: germline.
Comment: This sequence change replaces glutamine, which is neutral and polar, with histidine, which is basic and polar, at codon 3086 of the KMT2A protein (p.Gln3086His). This variant is present in population databases (rs200739718, gnomAD 0.003%). This variant has not been reported in the literature in individuals affected with KMT2A-related conditions. ClinVar contains an entry for this variant (Variation ID: 1416951). Invitae Evidence Modeling of protein sequence and biophysical properties (such as structural, functional, and spatial information, amino acid conservation, physicochemical variation, residue mobility, and thermodynamic stability) indicates that this missense variant is not expected to disrupt KMT2A protein function with a negative predictive value of 95%. In summary, the available evidence is currently insufficient to determine the role of this variant in disease. Therefore, it has been classified as a Variant of Uncertain Significance.

NM_001197104.2(KMT2A):c.9258G>T (p.Gln3086His)

Gene: KMT2A (lysine methyltransferase 2A; plus strand). Cytogenetic location: 11q23.3.
Variant type: single nucleotide variant.
Coding change: c.9258G>T on transcript NM_001197104.2 (MANE Select); coding-DNA position 9258, G replaced by T.
Protein change: p.Gln3086His; replaces glutamine 3086 with histidine.
Molecular consequence: missense variant.
Genome position (GRCh38, 1-based): chr11:118,505,150, G>T. VCF-style: chr11-118505150-G-T. GRCh37 (hg19) VCF-style: chr11-118375865-G-T.
Other names: c.9249G>T, p.Gln3083His (NM_005933.4); short protein forms Q3086H, Q3083H.
Identifiers: ClinVar variation 1416951 (VCV001416951.6), dbSNP rs200739718, ClinGen allele CA6304570.
Genomic context (GRCh38, chr11:118,505,150, plus strand): 5'-TGTCCAGACCACTCCACCCCACCTGAAGCCAGCCACTGAGAAACTCATAGTTGTTAACCA[G>T]AACATGCAGCCACTTTATGTTCTCCAAACTCTTCCAAATGGAGTGACCCAAAAAATCCAA-3'
Protein context (NP_001184033.1, residues 3076-3096): PATEKLIVVN[Gln3086His]NMQPLYVLQT